The following is an entry in ClinVar:

ClinVar aggregate classification (germline): Likely benign (0 of 4 stars; one submission).

Conditions:
PLAUR-related disorder. Also called: PLAUR-related condition.

Allele frequency attached by ClinVar (database versions not stated): ESP Exome Variant Server 0.00161; ExAC 0.00088; gnomAD 0.00090; TOPMed 0.00107; gnomAD exomes 0.00137.
gnomAD v4.1: 2,108 of 1,613,966 alleles (0.13%); highest among the groups gnomAD compares: Non-Finnish European, 0.16%; 3 homozygotes.

Submissions (11):

PreventionGenetics, part of Exact Sciences
Classification: Likely benign for PLAUR-related condition. Last evaluated: 2023-07-28. Review status: no assertion criteria provided. Collection method: clinical testing. Allele origin: germline.
Comment: This variant is classified as likely benign based on ACMG/AMP sequence variant interpretation guidelines (Richards et al. 2015 PMID: 25741868, with internal and published modifications).

Dr. Peter K. Rogan Lab, Western University
No classification provided (evidence only). Condition: Clear cell carcinoma of kidney. Review status: no classification provided. Collection method: in vitro. Allele origin: not applicable. Functional consequence: retained intron. Not counted in ClinVar's aggregate classification.

Dr. Peter K. Rogan Lab, Western University
No classification provided (evidence only). Condition: Clear cell carcinoma of kidney. Review status: no classification provided. Collection method: in vitro. Allele origin: not applicable. Functional consequence: retained intron. Not counted in ClinVar's aggregate classification.

Dr. Peter K. Rogan Lab, Western University
No classification provided (evidence only). Condition: Clear cell carcinoma of kidney. Review status: no classification provided. Collection method: in vitro. Allele origin: not applicable. Functional consequence: retained intron. Not counted in ClinVar's aggregate classification.

Dr. Peter K. Rogan Lab, Western University
No classification provided (evidence only). Condition: Acute myeloid leukemia. Review status: no classification provided. Collection method: in vitro. Allele origin: not applicable. Functional consequence: skipped exon, retained intron. Not counted in ClinVar's aggregate classification.

Dr. Peter K. Rogan Lab, Western University
No classification provided (evidence only). Condition: Colorectal cancer. Review status: no classification provided. Collection method: in vitro. Allele origin: not applicable. Functional consequence: retained intron. Not counted in ClinVar's aggregate classification.

Dr. Peter K. Rogan Lab, Western University
No classification provided (evidence only). Condition: Thyroid cancer, nonmedullary, 1. Review status: no classification provided. Collection method: in vitro. Allele origin: not applicable. Functional consequence: retained intron. Not counted in ClinVar's aggregate classification.

Dr. Peter K. Rogan Lab, Western University
No classification provided (evidence only). Condition: Thyroid cancer, nonmedullary, 1. Review status: no classification provided. Collection method: in vitro. Allele origin: not applicable. Functional consequence: retained intron. Not counted in ClinVar's aggregate classification.

Dr. Peter K. Rogan Lab, Western University
No classification provided (evidence only). Condition: Cervical cancer. Review status: no classification provided. Collection method: in vitro. Allele origin: not applicable. Functional consequence: retained intron. Not counted in ClinVar's aggregate classification.

Dr. Peter K. Rogan Lab, Western University
No classification provided (evidence only). Condition: Hepatocellular carcinoma. Review status: no classification provided. Collection method: in vitro. Allele origin: not applicable. Functional consequence: retained intron. Not counted in ClinVar's aggregate classification.

Dr. Peter K. Rogan Lab, Western University
No classification provided (evidence only). Condition: Malignant tumor of esophagus. Review status: no classification provided. Collection method: in vitro. Allele origin: not applicable. Functional consequence: retained intron. Not counted in ClinVar's aggregate classification.

NM_002659.4(PLAUR):c.281G>A (p.Gly94Glu)

Gene: PLAUR (plasminogen activator, urokinase receptor; minus strand). Cytogenetic location: 19q13.31.
Variant type: single nucleotide variant.
Coding change: c.281G>A on transcript NM_002659.4 (MANE Select); coding-DNA position 281, G replaced by A.
Protein change: p.Gly94Glu; replaces glycine 94 with glutamic acid.
Molecular consequence: missense variant.
Genome position (GRCh38, 1-based): chr19:43,665,345, C>T on the plus strand (G>A on the coding strand, the complement: PLAUR is on the minus strand). VCF-style: chr19-43665345-C-T. GRCh37 (hg19) VCF-style: chr19-44169497-C-T.
Other names: NC_000019.9:g.44169497C>T; c.281G>A, p.Gly94Glu (NM_001005376.3, NM_001005377.3, NM_001301037.2); short protein forms G94E.
Identifiers: ClinVar variation 3049622 (VCV003049622.3), dbSNP rs150986089, ClinGen allele CA9490560.
Genomic context (GRCh38, chr19:43,665,345, plus strand): 5'-GGTTGGGGATGGCAAGGGCTGCCCTACTCACCAGAGTTGCCCTGGTTGCACAAGTCTAAC[C>T]CACACACAACCTCGGTAAGGCTGGTGATCTTCAAGCCAGTCCGATAGCTCAGGGTCCTGT-3'
Protein context (NP_002650.1, residues 84-104): KITSLTEVVC[Gly94Glu]LDLCNQGNSG